The following is an entry in ClinVar:

ClinVar aggregate classification (germline): Uncertain significance (1 of 4 stars; one submission).

Allele frequency attached by ClinVar (database versions not stated): TOPMed below 0.00001; gnomAD 0.00001.

Submission:

GeneDx
Classification: Uncertain significance. Last evaluated: 2025-04-30. Review status: criteria provided, single submitter. Criteria: GeneDx Variant Classification Process June 2021. Collection method: clinical testing. Allele origin: germline.
Comment: Not observed at significant frequency in large population cohorts (gnomAD); In silico analysis supports that this missense variant has a deleterious effect on protein structure/function; Has not been previously published as pathogenic or benign to our knowledge

NM_004423.4(DVL3):c.874C>T (p.Arg292Cys)

Gene: DVL3 (dishevelled segment polarity protein 3; plus strand). Cytogenetic location: 3q27.1.
Variant type: single nucleotide variant.
Coding change: c.874C>T on transcript NM_004423.4 (MANE Select); coding-DNA position 874, C replaced by T.
Protein change: p.Arg292Cys; replaces arginine 292 with cysteine.
Molecular consequence: missense variant.
Genome position (GRCh38, 1-based): chr3:184,166,236, C>T. VCF-style: chr3-184166236-C-T. GRCh37 (hg19) VCF-style: chr3-183884024-C-T.
Other names: short protein forms R292C.
Identifiers: ClinVar variation 1698218 (VCV001698218.3), dbSNP rs1481467926, ClinGen allele CA355409226.